The following is an entry in ClinVar:

NM_000441.2(SLC26A4):c.1228A>G (p.Thr410Ala)

Gene: SLC26A4 (solute carrier family 26 member 4; plus strand). Cytogenetic location: 7q22.3.
Variant type: single nucleotide variant.
Coding change: c.1228A>G on transcript NM_000441.2 (MANE Select); coding-DNA position 1228, A replaced by G.
Protein change: p.Thr410Ala; replaces threonine 410 with alanine.
Molecular consequence: missense variant.
Genome position (GRCh38, 1-based): chr7:107,690,202, A>G. VCF-style: chr7-107690202-A-G. GRCh37 (hg19) VCF-style: chr7-107330647-A-G.
Other names: short protein forms T410A.
Identifiers: ClinVar variation 1489182 (VCV001489182.12), dbSNP rs1286976213, ClinGen allele CA368839269.

ClinVar aggregate classification (germline): Conflicting classifications of pathogenicity. Review status: criteria provided, conflicting classifications (1 of 4 stars). 3 submissions from 3 submitters: Likely pathogenic (1); Uncertain significance (2). Last evaluated 2026-09-08.

Conditions:
Pendred syndrome (PDS). Also called: Pendred's syndrome; Pendred Syndrome (PDS); THYROID DYSHORMONOGENESIS 2B; THYROID HORMONOGENESIS, GENETIC DEFECT IN, 2B; DEAFNESS WITH GOITER; GOITER-DEAFNESS SYNDROME. Identifiers: Orphanet 705, MedGen C0271829, MONDO:0010134, OMIM 274600.

Allele frequency attached by ClinVar (database versions not stated): gnomAD exomes below 0.00001; TOPMed below 0.00001.
gnomAD v4.1: 2 of 1,612,348 alleles (0.00012%); highest among the groups gnomAD compares: South Asian, 0.0022%; no homozygotes.

Submissions (3):

Myriad Genetics, Inc.
Classification: Uncertain significance for Pendred syndrome. Last evaluated: 2026-09-08. Review status: criteria provided, single submitter. Criteria: Myriad Autosomal Dominant, Autosomal Recessive and X-Linked Classification Criteria (2023). Collection method: clinical testing. Allele origin: unknown.
Comment: NM_000441.1(SLC26A4):c.1228A>G(T410A) is a missense variant classified as a variant of uncertain significance in the context of Pendred syndrome. T410A has not been observed in cases with relevant disease. Relevant functional assessments of this variant are not available in the literature. T410A has been observed in referenced population frequency databases. In summary, there is insufficient evidence to classify NM_000441.1(SLC26A4):c.1228A>G(T410A) as pathogenic or benign. Please note: this variant was assessed in the context of healthy population screening.

Women's Health and Genetics/Laboratory Corporation of America, LabCorp
Classification: Uncertain significance. Last evaluated: 2025-07-02. Review status: criteria provided, single submitter. Criteria: LabCorp Variant Classification Summary - May 2015. Collection method: clinical testing. Allele origin: germline.
Comment: Variant summary: SLC26A4 c.1228A>G (p.Thr410Ala) results in a non-conservative amino acid change located in the SLC26A/SulP transporter domain (IPR011547) of the encoded protein sequence. Algorithms developed to predict the effect of missense changes on protein structure and function all suggest that this variant is likely to be disruptive. The variant allele was found at a frequency of 4e-06 in 250848 control chromosomes (gnomAD). c.1228A>G has been reported in the literature without clinical information specified (Choi_2023). This report does not provide unequivocal conclusions about association of the variant with Pendred Syndrome. Other variants affecting the same codon have been determined to be likely pathogenic/pathogenic by our lab (c.1229C>T/p.Thr410Met, c.1229C>A/p.Thr410Lys), supporting the critical relevance of codon 410 to SLC26A4 protein function. To our knowledge, no experimental evidence demonstrating an impact on protein function has been reported. The following publication has been ascertained in the context of this evaluation (PMID: 36472766). ClinVar contains an entry for this variant (Variation ID: 1489182). Based on the evidence outlined above, the variant was classified as VUS-possibly pathogenic.

Labcorp Genetics (formerly Invitae), Labcorp
Classification: Likely pathogenic. Last evaluated: 2025-04-11. Review status: criteria provided, single submitter. Criteria: Invitae Variant Classification Sherloc (09022015). Collection method: clinical testing. Allele origin: germline.
Comment: This sequence change replaces threonine, which is neutral and polar, with alanine, which is neutral and non-polar, at codon 410 of the SLC26A4 protein (p.Thr410Ala). This variant is present in population databases (no rsID available, gnomAD 0.003%). This variant has not been reported in the literature in individuals affected with SLC26A4-related conditions. ClinVar contains an entry for this variant (Variation ID: 1489182). Invitae Evidence Modeling of protein sequence and biophysical properties (such as structural, functional, and spatial information, amino acid conservation, physicochemical variation, residue mobility, and thermodynamic stability) indicates that this missense variant is expected to disrupt SLC26A4 protein function with a positive predictive value of 95%. This variant disrupts the p.Thr410 amino acid residue in SLC26A4. Other variant(s) that disrupt this residue have been determined to be pathogenic (PMID: 9618167, 11919333, 11932316, 24224479, 25468468). This suggests that this residue is clinically significant, and that variants that disrupt this residue are likely to be disease-causing. In summary, the currently available evidence indicates that the variant is pathogenic, but additional data are needed to prove that conclusively. Therefore, this variant has been classified as Likely Pathogenic.

Literature cited by the submitters: PubMed 36472766 (cited by Women's Health and Genetics/Laboratory Corporation of America, LabCorp); PubMed 9618167 (cited by Labcorp Genetics (formerly Invitae), Labcorp); PubMed 11919333 (cited by Labcorp Genetics (formerly Invitae), Labcorp); PubMed 11932316 (cited by Labcorp Genetics (formerly Invitae), Labcorp); PubMed 24224479 (cited by Labcorp Genetics (formerly Invitae), Labcorp); PubMed 25468468 (cited by Labcorp Genetics (formerly Invitae), Labcorp).